The following is an entry in ClinVar:

NM_000400.4(ERCC2):c.859_880dup (p.Glu294fs)

Gene: ERCC2 (ERCC excision repair 2, TFIIH core complex helicase subunit; minus strand). Cytogenetic location: 19q13.32.
Variant type: Duplication.
Coding change: c.859_880dup on transcript NM_000400.4 (MANE Select); coding-DNA positions 859 to 880, 22 bases duplicated (CGTCTGGTGGAGGGGCTGCGGG).
Protein change: p.Glu294fs; shifts the reading frame from glutamic acid 294.
Molecular consequence: frameshift variant. On other transcripts: non-coding transcript variant (3).
Genome position (GRCh38, 1-based): chr19:45,364,055-45,364,076, CCCGCAGCCCCTCCACCAGACG duplicated on the plus strand (CGTCTGGTGGAGGGGCTGCGGG on the coding strand, the reverse complement: ERCC2 is on the minus strand); duplicating any 22 consecutive bases within chr19:45,364,055-45,364,078 gives the same sequence; the c. name uses the placement nearest the transcript's 3' end. VCF-style (leftmost placement, unchanged base first): chr19-45364054-T-TCCCGCAGCCCCTCCACCAGACG. GRCh37 (hg19) VCF-style: chr19-45867312-T-TCCCGCAGCCCCTCCACCAGACG.
Other names: c.787_808dup, p.Glu270fs (NM_001130867.2, NM_001440355.1); c.781_802dup, p.Glu268fs (NM_001440356.1); c.736_757dup, p.Glu253fs (NM_001440357.1); short protein forms E253fs, E268fs, E270fs, E294fs.
Identifiers: ClinVar variation 4081845 (VCV004081845.1).

ClinVar aggregate classification (germline): Pathogenic (1 of 4 stars; one submission).

Conditions:
ERCC2-related disorder. Also called: ERCC2-related conditions; ERCC2-related condition; ERCC2-related disorders. Identifiers: MedGen CN239291.

Submission:

Myriad Genetics, Inc.
Classification: Pathogenic for ERCC2-related disorder. Last evaluated: 2025-06-16. Review status: criteria provided, single submitter. Criteria: Myriad Autosomal Dominant, Autosomal Recessive and X-Linked Classification Criteria (2023). Collection method: clinical testing. Allele origin: unknown.
Comment: NM_000400.3(ERCC2):c.859_880dup22(E294Afs*91) is a frameshift variant classified as pathogenic in the context of ERCC2-related disorders. E294Afs*91 has not been observed in cases with relevant disease. Relevant functional assessments of this variant are not available in the literature. E294Afs*91 has not been observed in referenced population frequency databases. In summary, NM_000400.3(ERCC2):c.859_880dup22(E294Afs*91) is a frameshift variant in a gene where loss of function is a known mechanism of disease and is predicted to disrupt protein function. Please note: this variant was assessed in the context of healthy population screening.